The following is an entry in ClinVar:

ClinVar aggregate classification (germline): Likely benign. Review status: criteria provided, multiple submitters, no conflicts (2 of 4 stars). 4 submissions from 4 submitters: Likely benign (4). Last evaluated 2025-10-31.

Conditions:
Hereditary hemorrhagic telangiectasia (HHT). Also called: Osler hemorrhagic telangiectasia syndrome; ORW DISEASE; Osler Weber Rendu syndrome; OSLER-RENDU-WEBER DISEASE. Identifiers: Orphanet 774, MedGen C0039445, MONDO:0019180. Disease mechanism: loss of function.
Cardiovascular phenotype. Identifiers: MedGen CN230736.

Allele frequency attached by ClinVar (database versions not stated): gnomAD exomes 0.00002 and 0.00004; ExAC 0.00003; TOPMed 0.00003; gnomAD 0.00005 and 0.00006; ESP Exome Variant Server 0.00008; 1000 Genomes Project 0.00020; 1000 Genomes Project 30x 0.00031.
gnomAD v4.1: 42 of 1,613,768 alleles (0.0026%); highest among the groups gnomAD compares: Middle Eastern, 0.049%; no homozygotes.

Submissions (4):

Labcorp Genetics (formerly Invitae), Labcorp
Classification: Likely benign for Hereditary hemorrhagic telangiectasia. Last evaluated: 2025-10-31. Review status: criteria provided, single submitter. Criteria: Invitae Variant Classification Sherloc (09022015). Collection method: clinical testing. Allele origin: germline.

CeGaT Center for Human Genetics Tuebingen
Classification: Likely benign. Last evaluated: 2025-08-01. Review status: criteria provided, single submitter. Criteria: CeGaT Center For Human Genetics Tuebingen Variant Classification Criteria Version 2. Collection method: clinical testing. Allele origin: germline. Affected: yes. Observed: 2 variant alleles.
Comment: ENG: BP4, BP7

Blueprint Genetics
Classification: Likely benign. Last evaluated: 2024-10-14. Review status: criteria provided, single submitter. Criteria: ACMG Guidelines, 2015. Collection method: clinical testing. Allele origin: germline.

Ambry Genetics
Classification: Likely benign for Cardiovascular phenotype. Last evaluated: 2015-12-11. Review status: criteria provided, single submitter. Criteria: Ambry Variant Classification Scheme 2023. Collection method: clinical testing. Allele origin: germline.

NM_001114753.3(ENG):c.1446C>T (p.Ser482=)

Genes: ENG (endoglin; minus strand), LOC102723566 (uncharacterized LOC102723566; plus strand). Cytogenetic location: 9q34.11.
Variant type: single nucleotide variant.
Coding change: c.1446C>T on transcript NM_001114753.3 (MANE Select); coding-DNA position 1446, C replaced by T.
Protein change: p.Ser482=; no amino-acid change (serine 482 retained).
Molecular consequence: synonymous variant. On other transcripts: non-coding transcript variant (1).
Genome position (GRCh38, 1-based): chr9:127,818,360, G>A on the plus strand (C>T on the coding strand, the complement: ENG is on the minus strand). VCF-style: chr9-127818360-G-A. GRCh37 (hg19) VCF-style: chr9-130580639-G-A.
Other names: c.1446C>T, p.Ser482= (NM_000118.4); c.900C>T, p.Ser300= (NM_001278138.2).
Identifiers: ClinVar variation 414309 (VCV000414309.34), dbSNP rs143945873, ClinGen allele CA5252757.
Genomic context (GRCh38, chr9:127,818,360, plus strand): 5'-GCCTCCCTCAGGCCCCAAGTCCAGGTGGCAGCTGTCTAACTGGAGCAGGAACTCGGAGAC[G>A]GATGGGGACACTCTGACCTGCATGGGTAGGTAGGGCCACGCGGCATGGGCAGCTGCTCTT-3'
Protein context (NP_001108225.1, residues 472-492): QSFVQVRVSP[Ser482=]VSEFLLQLDS